The following is an entry in ClinVar:

NM_004484.4(GPC3):c.1592A>T (p.Asp531Val)

Gene: GPC3 (glypican 3; minus strand). Cytogenetic location: Xq26.2.
Variant type: single nucleotide variant.
Coding change: c.1592A>T on transcript NM_004484.4 (MANE Select); coding-DNA position 1592, A replaced by T.
Protein change: p.Asp531Val; replaces aspartic acid 531 with valine.
Molecular consequence: missense variant.
Genome position (GRCh38, 1-based): chrX:133,536,275, T>A on the plus strand (A>T on the coding strand, the complement: GPC3 is on the minus strand). VCF-style: chrX-133536275-T-A. GRCh37 (hg19) VCF-style: chrX-132670303-T-A.
Other names: c.1661A>T, p.Asp554Val (NM_001164617.2); c.1544A>T, p.Asp515Val (NM_001164618.2); c.1430A>T, p.Asp477Val (NM_001164619.2); short protein forms D515V, D531V, D554V, D477V.
Identifiers: ClinVar variation 863492 (VCV000863492.10), dbSNP rs2069291115, ClinGen allele CA414703204.
Genomic context (GRCh38, chrX:133,536,275, plus strand): 5'-GTGCTTATCTCGTTGTCCTTCGGAGTTGCCTGCTGACTGTTTCCAGGCGCATCATCCACA[T>A]CCAGATCATAGGCCAGTTCTGTCAATCAAAAGAGAAGGATTTGAAATGCAAGTCTACCCA-3'
Protein context (NP_004475.1, residues 521-541): RFLAELAYDL[Asp531Val]VDDAPGNSQQ

ClinVar aggregate classification (germline): Uncertain significance (1 of 4 stars; one submission).

Conditions:
Wilms tumor 1 (WT1). Also called: Wilms tumor, somatic. Identifiers: Orphanet 654, MedGen CN033288, MONDO:0008679, OMIM 194070.

Submission:

Labcorp Genetics (formerly Invitae), Labcorp
Classification: Uncertain significance for Wilms tumor 1. Last evaluated: 2024-05-29. Review status: criteria provided, single submitter. Criteria: Invitae Variant Classification Sherloc (09022015). Collection method: clinical testing. Allele origin: germline.
Comment: This sequence change replaces aspartic acid, which is acidic and polar, with valine, which is neutral and non-polar, at codon 531 of the GPC3 protein (p.Asp531Val). This variant is not present in population databases (gnomAD no frequency). This variant has not been reported in the literature in individuals affected with GPC3-related conditions. ClinVar contains an entry for this variant (Variation ID: 863492). An algorithm developed to predict the effect of missense changes on protein structure and function (PolyPhen-2) suggests that this variant is likely to be disruptive. In summary, the available evidence is currently insufficient to determine the role of this variant in disease. Therefore, it has been classified as a Variant of Uncertain Significance.